The following is an entry in ClinVar:

ClinVar aggregate classification (germline): Uncertain significance (1 of 4 stars; one submission).

Submission:

CeGaT Center for Human Genetics Tuebingen
Classification: Uncertain significance. Last evaluated: 2026-03-01. Review status: criteria provided, single submitter. Criteria: CeGaT Center For Human Genetics Tuebingen Variant Classification Criteria Version 2. Collection method: clinical testing. Allele origin: germline. Affected: yes. Observed: 1 variant allele.
Comment: SIN3A: PM2, PP2

NM_001145358.2(SIN3A):c.1706A>G (p.Lys569Arg)

Gene: SIN3A (SIN3 transcription regulator family member A; minus strand). Cytogenetic location: 15q24.2.
Variant type: single nucleotide variant.
Coding change: c.1706A>G on transcript NM_001145358.2 (MANE Select); coding-DNA position 1706, A replaced by G.
Protein change: p.Lys569Arg; replaces lysine 569 with arginine.
Molecular consequence: missense variant.
Genome position (GRCh38, 1-based): chr15:75,400,761, T>C on the plus strand (A>G on the coding strand, the complement: SIN3A is on the minus strand). VCF-style: chr15-75400761-T-C. GRCh37 (hg19) VCF-style: chr15-75693102-T-C.
Other names: c.1706A>G, p.Lys569Arg (NM_001145357.2, NM_001437462.1, NM_001437463.1 and 1 more transcripts); short protein forms K569R.
Identifiers: ClinVar variation 4823609 (VCV004823609.4).